The following is an entry in ClinVar:

ClinVar aggregate classification (germline): Likely pathogenic. Review status: criteria provided, multiple submitters, no conflicts (2 of 4 stars). 2 submissions from 2 submitters: Likely pathogenic (2). Last evaluated 2022-03-30.

Conditions:
X-linked agammaglobulinemia (XLA). Also called: Agammaglobulinemia, Bruton tyrosine kinase; Agammaglobulinemia, BTK; BTK-deficiency; IMMUNODEFICIENCY 1; Bruton's agammaglobulinemia; AGAMMAGLOBULINEMIA, X-LINKED, TYPE 1. Identifiers: Orphanet 229717, Orphanet 47, MedGen C0221026, MONDO:0010421, OMIM 300755.
X-linked agammaglobulinemia with growth hormone deficiency (IGHD3). Also called: AGAMMAGLOBULINEMIA AND ISOLATED GROWTH HORMONE DEFICIENCY, X-LINKED; FLEISHER SYNDROME; HYPOGAMMAGLOBULINEMIA AND ISOLATED GROWTH HORMONE DEFICIENCY, X-LINKED; IGHD III; Isolated growth hormone deficiency type 3; Growth hormone deficiency with hypogammaglobulinemia. Identifiers: Orphanet 231692, Orphanet 631, MedGen C0472813, MONDO:0010615, OMIM 307200.

Submissions (2):

Laboratorio de Genetica e Diagnostico Molecular, Hospital Israelita Albert Einstein
Classification: Likely pathogenic for X-linked agammaglobulinemia. Last evaluated: 2022-03-30. Review status: criteria provided, single submitter. Criteria: ACMG Guidelines, 2015. Collection method: clinical testing. Allele origin: germline. Affected: yes. Observed: 1 variant allele.
Comment: ACMG classification criteria: PM2 moderated, PM5 moderated, PP2 supporting, PP3 supporting

Juno Genomics, Hangzhou Juno Genomics, Inc
Classification: Likely pathogenic for X-linked agammaglobulinemia; X-linked agammaglobulinemia with growth hormone deficiency. Review status: criteria provided, single submitter. Criteria: ACMG Guidelines, 2015. Collection method: clinical testing. Allele origin: germline.
Comment: Absent from controls (or at extremely low frequency if recessive) in Genome Aggregation Database.;Multiple lines of computational evidence support a deleterious effect on the gene or gene product.;Novel missense change at an amino acid residue where a different missense change determined to be pathogenic has been seen before.;Assumed de novo, but without confirmation of paternity and maternity.;Patient's phenotype or family history is highly specific for a disease with a single genetic etiology.

NM_000061.3(BTK):c.1685G>A (p.Arg562Gln)

Gene: BTK (Bruton tyrosine kinase; minus strand). Cytogenetic location: Xq22.1.
Variant type: single nucleotide variant.
Coding change: c.1685G>A on transcript NM_000061.3 (MANE Select); coding-DNA position 1685, G replaced by A.
Protein change: p.Arg562Gln; replaces arginine 562 with glutamine.
Molecular consequence: missense variant.
Genome position (GRCh38, 1-based): chrX:101,353,935, C>T on the plus strand (G>A on the coding strand, the complement: BTK is on the minus strand). VCF-style: chrX-101353935-C-T. GRCh37 (hg19) VCF-style: chrX-100608923-C-T.
Other names: c.1787G>A, p.Arg596Gln (NM_001287344.2); c.1157G>A, p.Arg386Gln (NM_001287345.2); short protein forms R386Q, R562Q, R596Q.
Identifiers: ClinVar variation 2431408 (VCV002431408.3), dbSNP rs104894770, ClinGen allele CA413921299.